The following is an entry in ClinVar:

NM_002218.5(ITIH4):c.254T>A (p.Ile85Asn)

Gene: ITIH4 (inter-alpha-trypsin inhibitor heavy chain 4; minus strand). Cytogenetic location: 3p21.1.
Variant type: single nucleotide variant.
Coding change: c.254T>A on transcript NM_002218.5 (MANE Select); coding-DNA position 254, T replaced by A.
Protein change: p.Ile85Asn; replaces isoleucine 85 with asparagine.
Molecular consequence: missense variant.
Genome position (GRCh38, 1-based): chr3:52,827,195, A>T on the plus strand (T>A on the coding strand, the complement: ITIH4 is on the minus strand). VCF-style: chr3-52827195-A-T. GRCh37 (hg19) VCF-style: chr3-52861211-A-T.
Other names: c.254T>A, p.Ile85Asn (NM_001166449.2); short protein forms I85N.
Identifiers: ClinVar variation 3060123 (VCV003060123.2), dbSNP rs13072536, ClinGen allele CA2449729.

ClinVar aggregate classification (germline): Benign (0 of 4 stars; one submission).

Conditions:
ITIH4-related disorder. Also called: ITIH4-related condition.

Allele frequency attached by ClinVar (database versions not stated): ESP Exome Variant Server 0.22713; gnomAD exomes 0.23382; gnomAD 0.24474; 1000 Genomes Project 0.24521; ExAC 0.24783; 1000 Genomes Project 30x 0.24813; TOPMed 0.25612.
gnomAD v4.1: 377,864 of 1,610,286 alleles (23%); highest among the groups gnomAD compares: Admixed American, 44%; 47,432 homozygotes.

Submission:

PreventionGenetics, part of Exact Sciences
Classification: Benign for ITIH4-related condition. Last evaluated: 2019-10-18. Review status: no assertion criteria provided. Collection method: clinical testing. Allele origin: germline.
Comment: This variant is classified as benign based on ACMG/AMP sequence variant interpretation guidelines (Richards et al. 2015 PMID: 25741868, with internal and published modifications).